The following is an entry in ClinVar:

ClinVar aggregate classification (germline): Uncertain significance. Review status: criteria provided, multiple submitters, no conflicts (2 of 4 stars). 3 submissions from 3 submitters: Uncertain significance (2). 1 of the submissions does not count toward it. Last evaluated 2025-03-26.

Conditions:
Optic atrophy. Identifiers: MedGen C0029124, MONDO:0003608, HP:0000648.

Allele frequency attached by ClinVar (database versions not stated): ExAC 0.00002; TOPMed below 0.00001; gnomAD exomes 0.00001.
gnomAD v4.1: 14 of 1,613,420 alleles (0.00087%); highest among the groups gnomAD compares: Middle Eastern, 0.033%; no homozygotes.

Submissions (3):

Ambry Genetics
Classification: Uncertain significance. Last evaluated: 2025-03-26. Review status: criteria provided, single submitter. Criteria: Ambry Variant Classification Scheme 2023. Collection method: clinical testing. Allele origin: germline.

Labcorp Genetics (formerly Invitae), Labcorp
Classification: Uncertain significance. Last evaluated: 2023-11-27. Review status: criteria provided, single submitter. Criteria: Invitae Variant Classification Sherloc (09022015). Collection method: clinical testing. Allele origin: germline.
Comment: This sequence change replaces isoleucine, which is neutral and non-polar, with leucine, which is neutral and non-polar, at codon 577 of the CEP250 protein (p.Ile577Leu). This variant is present in population databases (rs775044379, gnomAD 0.003%). This variant has not been reported in the literature in individuals affected with CEP250-related conditions. ClinVar contains an entry for this variant (Variation ID: 1958329). An algorithm developed to predict the effect of missense changes on protein structure and function (PolyPhen-2) suggests that this variant¬†is likely to be tolerated. In summary, the available evidence is currently insufficient to determine the role of this variant in disease. Therefore, it has been classified as a Variant of Uncertain Significance.

Institute of Human Genetics, Univ. Regensburg, Univ. Regensburg
Classification: Uncertain significance for Optic atrophy. Last evaluated: 2022-01-01. Review status: no assertion criteria provided. Criteria: ACMG Guidelines, 2015. Collection method: clinical testing. Allele origin: germline. Affected: yes. Not counted in ClinVar's aggregate classification.

NM_007186.6(CEP250):c.1729A>C (p.Ile577Leu)

Genes: CEP250 (centrosomal protein 250; plus strand), CEP250-AS1 (CEP250 antisense RNA 1; minus strand). Cytogenetic location: 20q11.22.
Variant type: single nucleotide variant.
Coding change: c.1729A>C on transcript NM_007186.6 (MANE Select); coding-DNA position 1729, A replaced by C.
Protein change: p.Ile577Leu; replaces isoleucine 577 with leucine.
Molecular consequence: missense variant. On other transcripts: 5 prime UTR variant (1).
Genome position (GRCh38, 1-based): chr20:35,476,461, A>C. VCF-style: chr20-35476461-A-C. GRCh37 (hg19) VCF-style: chr20-34064286-A-C.
Other names: c.-171A>C (NM_001318219.1); c.1729A>C (NM_007186.3); short protein forms I577L.
Identifiers: ClinVar variation 1958329 (VCV001958329.6), dbSNP rs775044379, ClinGen allele CA9833023.
Genomic context (GRCh38, chr20:35,476,461, plus strand): 5'-CCAGGAAAATTGGAAATATGAAACTCTTTAATCCTTTTTGTTTTTTAGGCAGAGCAGTCA[A>C]TTGCAGAGCTGTCGAGTTCTGAAAACACCCTGAAGACAGAAGTAGCTGATCTTCGGGCTG-3'
Protein context (NP_009117.2, residues 567-587): TAALARAEQS[Ile577Leu]AELSSSENTL